The following is an entry in ClinVar:

ClinVar aggregate classification (germline): Likely benign (0 of 4 stars; one submission).

Conditions:
WNK4-related disorder. Also called: WNK4-related condition.

Allele frequency attached by ClinVar (database versions not stated): TOPMed 0.00001; gnomAD exomes 0.00008; gnomAD 0.00009; ExAC 0.00030; 1000 Genomes Project 0.00060; 1000 Genomes Project 30x 0.00078.
gnomAD v4.1: 143 of 1,614,018 alleles (0.0089%); highest among the groups gnomAD compares: South Asian, 0.13%; no homozygotes.

Submission:

PreventionGenetics, part of Exact Sciences
Classification: Likely benign for WNK4-related condition. Last evaluated: 2019-05-07. Review status: no assertion criteria provided. Collection method: clinical testing. Allele origin: germline.
Comment: This variant is classified as likely benign based on ACMG/AMP sequence variant interpretation guidelines (Richards et al. 2015 PMID: 25741868, with internal and published modifications).

NM_032387.5(WNK4):c.783G>A (p.Thr261=)

Gene: WNK4 (WNK lysine deficient protein kinase 4; plus strand). Cytogenetic location: 17q21.2.
Variant type: single nucleotide variant.
Coding change: c.783G>A on transcript NM_032387.5 (MANE Select); coding-DNA position 783, G replaced by A.
Protein change: p.Thr261=; no amino-acid change (threonine 261 retained).
Molecular consequence: synonymous variant. On other transcripts: 5 prime UTR variant (1).
Genome position (GRCh38, 1-based): chr17:42,782,922, G>A. VCF-style: chr17-42782922-G-A. GRCh37 (hg19) VCF-style: chr17-40934940-G-A.
Other names: c.-137G>A (NM_001321299.2).
Identifiers: ClinVar variation 3041421 (VCV003041421.2), dbSNP rs371430478, ClinGen allele CA8583763.